The following is an entry in ClinVar:

ClinVar aggregate classification (germline): Uncertain significance. Review status: criteria provided, multiple submitters, no conflicts (2 of 4 stars). 3 submissions from 3 submitters: Uncertain significance (3). Last evaluated 2025-11-25.

Conditions:
COL17A1-related disorder. Also called: COL17A1-related condition.

Submissions (3):

PreventionGenetics, part of Exact Sciences
Classification: Uncertain significance for COL17A1-related condition. Last evaluated: 2025-11-25. Review status: criteria provided, single submitter. Criteria: ACMG Guidelines, 2015. Collection method: clinical testing. Allele origin: germline.
Comment: The COL17A1 c.4473_4475delAAG variant is predicted to result in an in-frame deletion (p.Arg1491del). To our knowledge, this variant has not been reported in the literature. This variant is reported in 0.019% of alleles in individuals of Ashkenazi Jewish descent in gnomAD. At this time, the clinical significance of this variant is uncertain due to the absence of conclusive functional and genetic evidence.

Labcorp Genetics (formerly Invitae), Labcorp
Classification: Uncertain significance. Last evaluated: 2025-11-17. Review status: criteria provided, single submitter. Criteria: Invitae Variant Classification Sherloc (09022015). Collection method: clinical testing. Allele origin: germline.
Comment: This variant, c.4473_4475del, results in the deletion of 1 amino acid(s) of the COL17A1 protein (p.Arg1491del), but otherwise preserves the integrity of the reading frame. This variant is present in population databases (rs756881229, gnomAD 0.02%). This variant has not been reported in the literature in individuals affected with COL17A1-related conditions. ClinVar contains an entry for this variant (Variation ID: 3342931). Experimental studies and prediction algorithms are not available or were not evaluated, and the functional significance of this variant is currently unknown. In summary, the available evidence is currently insufficient to determine the role of this variant in disease. Therefore, it has been classified as a Variant of Uncertain Significance.

GeneDx
Classification: Uncertain significance. Last evaluated: 2024-01-08. Review status: criteria provided, single submitter. Criteria: GeneDx Variant Classification Process June 2021. Collection method: clinical testing. Allele origin: germline. Affected: yes.
Comment: In-frame deletion of 1 amino acids in a non-repeat region; In silico analysis supports a deleterious effect on protein structure/function; Has not been previously published as pathogenic or benign to our knowledge

NM_000494.4(COL17A1):c.4470AAG[1] (p.Arg1491del)

Gene: COL17A1 (collagen type XVII alpha 1 chain; minus strand). Cytogenetic location: 10q25.1.
Variant type: Microsatellite.
Coding change: c.4470AAG[1] on transcript NM_000494.4 (MANE Select); one copy of the 3-base unit AAG starting at c.4470; the reference has two copies in a row; one copy, 3 bases deleted.
Protein change: p.Arg1491del; deletes arginine 1491.
Molecular consequence: inframe deletion.
Genome position (GRCh38, 1-based): chr10:104,032,254-104,032,256, CTT deleted on the plus strand (AAG on the coding strand, the reverse complement: COL17A1 is on the minus strand); deleting any 3 consecutive bases within chr10:104,032,254-104,032,261 gives the same sequence; the position shown is the placement nearest the transcript's 3' end. VCF-style (leftmost placement, unchanged base first): chr10-104032253-ACTT-A. GRCh37 (hg19) VCF-style: chr10-105792011-ACTT-A.
Other names: c.4473_4475delAAG (NM_000494.3); short protein forms R1491del.
Identifiers: ClinVar variation 3342931 (VCV003342931.3).